The following is an entry in ClinVar:

NM_000297.4(PKD2):c.1276T>G (p.Phe426Val)

Gene: PKD2 (polycystin 2, transient receptor potential cation channel; plus strand). Cytogenetic location: 4q22.1.
Variant type: single nucleotide variant.
Coding change: c.1276T>G on transcript NM_000297.4 (MANE Select); coding-DNA position 1276, T replaced by G.
Protein change: p.Phe426Val; replaces phenylalanine 426 with valine.
Molecular consequence: missense variant. On other transcripts: non-coding transcript variant (1).
Genome position (GRCh38, 1-based): chr4:88,043,414, T>G. VCF-style: chr4-88043414-T-G. GRCh37 (hg19) VCF-style: chr4-88964566-T-G.
Other names: short protein forms F426V.
Identifiers: ClinVar variation 2633297 (VCV002633297.1), dbSNP rs1560612017, ClinGen allele CA357616147.

ClinVar aggregate classification (germline): Uncertain significance (1 of 4 stars; one submission).

Conditions:
PKD2-related disorder. Also called: PKD2-related condition.

Submission:

PreventionGenetics, part of Exact Sciences
Classification: Uncertain significance for PKD2-related condition. Last evaluated: 2023-04-29. Review status: criteria provided, single submitter. Criteria: ACMG Guidelines, 2015. Collection method: clinical testing. Allele origin: germline.
Comment: The PKD2 c.1276T>G variant is predicted to result in the amino acid substitution p.Phe426Val. To our knowledge, this variant has not been reported in the literature or in a large population database, indicating this variant is rare. At this time, the clinical significance of this variant is uncertain due to the absence of conclusive functional and genetic evidence.